The following is an entry in ClinVar:

NM_019892.6(INPP5E):c.181G>A (p.Glu61Lys)

Gene: INPP5E (inositol polyphosphate-5-phosphatase E; minus strand). Cytogenetic location: 9q34.3.
Variant type: single nucleotide variant.
Coding change: c.181G>A on transcript NM_019892.6 (MANE Select); coding-DNA position 181, G replaced by A.
Protein change: p.Glu61Lys; replaces glutamic acid 61 with lysine.
Molecular consequence: missense variant.
Genome position (GRCh38, 1-based): chr9:136,439,239, C>T on the plus strand (G>A on the coding strand, the complement: INPP5E is on the minus strand). VCF-style: chr9-136439239-C-T. GRCh37 (hg19) VCF-style: chr9-139333691-C-T.
Other names: c.181G>A, p.Glu61Lys (NM_001318502.2); short protein forms E61K.
Identifiers: ClinVar variation 1392737 (VCV001392737.3), dbSNP rs1835929956, ClinGen allele CA375570800.
Genomic context (GRCh38, chr9:136,439,239, plus strand): 5'-CCAGTCGAGGCCTGGCGGGGGGCCGCGGGGCGATGGGTGCTGCTCGGGCTGGCGGGTCCT[C>T]GCCGCTGGGCGTGGCCGGAGTGCTGCAGGCAAGCGCGGGGCTCTCGGAGCCCGGAGCATC-3'
Protein context (NP_063945.2, residues 51-71): ACSTPATPSG[Glu61Lys]DPPARAAPIA

ClinVar aggregate classification (germline): Uncertain significance (1 of 4 stars; one submission).

Conditions:
Joubert syndrome. Also called: CEREBELLOPARENCHYMAL DISORDER IV; JOUBERT-BOLTSHAUSER SYNDROME; Familial aplasia of the vermis. Identifiers: Orphanet 475, MedGen C5979921, MONDO:0018772.

Allele frequency attached by ClinVar (database versions not stated): gnomAD exomes below 0.00001; TOPMed below 0.00001.

Submission:

Labcorp Genetics (formerly Invitae), Labcorp
Classification: Uncertain significance for Joubert syndrome. Last evaluated: 2022-10-25. Review status: criteria provided, single submitter. Criteria: Invitae Variant Classification Sherloc (09022015). Collection method: clinical testing. Allele origin: germline.
Comment: This sequence change replaces glutamic acid, which is acidic and polar, with lysine, which is basic and polar, at codon 61 of the INPP5E protein (p.Glu61Lys). This variant is not present in population databases (gnomAD no frequency). This variant has not been reported in the literature in individuals affected with INPP5E-related conditions. ClinVar contains an entry for this variant (Variation ID: 1392737). Advanced modeling of protein sequence and biophysical properties (such as structural, functional, and spatial information, amino acid conservation, physicochemical variation, residue mobility, and thermodynamic stability) performed at Invitae indicates that this missense variant is not expected to disrupt INPP5E protein function. In summary, the available evidence is currently insufficient to determine the role of this variant in disease. Therefore, it has been classified as a Variant of Uncertain Significance.